The following is an entry in ClinVar:

ClinVar aggregate classification (germline): Uncertain significance. Review status: criteria provided, multiple submitters, no conflicts (2 of 4 stars). 2 submissions from 2 submitters: Uncertain significance (2). Last evaluated 2023-12-24.

Conditions:
Glomerulopathy with fibronectin deposits 2 (GFND2). Identifiers: Orphanet 84090, MedGen C1866075, MONDO:0011165, OMIM 601894.
Spondylometaphyseal dysplasia - Sutcliffe type. Also called: Spondylometaphyseal Dysplasia, Corner Fracture Type; Sutcliffe type of spondylometaphyseal dysplasia; Sutcliffe SMD; Spondylometaphyseal dysplasia, 'corner fracture' type. Identifiers: Orphanet 93315, MedGen C0432221, MONDO:0008479, OMIM 184255.

Submissions (2):

Fulgent Genetics
Classification: Uncertain significance for Spondylometaphyseal dysplasia - Sutcliffe type; Glomerulopathy with fibronectin deposits 2. Last evaluated: 2023-12-24. Review status: criteria provided, single submitter. Criteria: ACMG Guidelines, 2015. Collection method: clinical testing. Allele origin: germline.

Labcorp Genetics (formerly Invitae), Labcorp
Classification: Uncertain significance. Last evaluated: 2023-10-05. Review status: criteria provided, single submitter. Criteria: Invitae Variant Classification Sherloc (09022015). Collection method: clinical testing. Allele origin: germline.
Comment: This variant, c.6835_6837del, results in the deletion of 1 amino acid(s) of the FN1 protein (p.Val2279del), but otherwise preserves the integrity of the reading frame. This variant is present in population databases (no rsID available, gnomAD 0.003%). This variant has not been reported in the literature in individuals affected with FN1-related conditions. Experimental studies and prediction algorithms are not available or were not evaluated, and the functional significance of this variant is currently unknown. In summary, the available evidence is currently insufficient to determine the role of this variant in disease. Therefore, it has been classified as a Variant of Uncertain Significance.

NM_212482.4(FN1):c.6832GTT[1] (p.Val2279del)

Gene: FN1 (fibronectin 1; minus strand). Cytogenetic location: 2q35.
Variant type: Microsatellite.
Coding change: c.6832GTT[1] on transcript NM_212482.4 (MANE Select); one copy of the 3-base unit GTT starting at c.6832; the reference has two copies in a row; one copy, 3 bases deleted; also written c.6835_6837del.
Protein change: p.Val2279del; deletes valine 2279.
Molecular consequence: inframe deletion.
Genome position (GRCh38, 1-based): chr2:215,370,310-215,370,312, AAC deleted on the plus strand (GTT on the coding strand, the reverse complement: FN1 is on the minus strand); deleting any 3 consecutive bases within chr2:215,370,310-215,370,315 gives the same sequence; the position shown is the placement nearest the transcript's 3' end. VCF-style (leftmost placement, unchanged base first): chr2-215370309-TAAC-T. GRCh37 (hg19) VCF-style: chr2-216235032-TAAC-T.
Other names: c.6835_6837del (NM_212482.4); c.6739GTT[1], p.Val2248del (NM_001306129.2); c.6202GTT[1], p.Val2069del (NM_001306130.2); c.6196GTT[1], p.Val2067del (NM_001306131.2); c.6121GTT[1], p.Val2042del (NM_001306132.2); c.6562GTT[1], p.Val2189del (NM_001365517.2); c.6559GTT[1], p.Val2188del (NM_001365518.2); c.6487GTT[1], p.Val2164del (NM_001365519.2); and 9 more; short protein forms V2157del, V2164del, V2188del, V2189del, V2068del, V2132del, V1978del, V2073del.
Identifiers: ClinVar variation 2965429 (VCV002965429.4), dbSNP rs1559334243, ClinGen allele CA539543576.